The following is an entry in ClinVar:

NM_019892.6(INPP5E):c.1160-6C>A

Gene: INPP5E (inositol polyphosphate-5-phosphatase E; minus strand). Cytogenetic location: 9q34.3.
Variant type: single nucleotide variant.
Coding change: c.1160-6C>A on transcript NM_019892.6 (MANE Select); 6 bases into the intron before coding-DNA position 1160, C replaced by A.
Molecular consequence: intron variant.
Genome position (GRCh38, 1-based): chr9:136,433,081, G>T on the plus strand (C>A on the coding strand, the complement: INPP5E is on the minus strand). VCF-style: chr9-136433081-G-T. GRCh37 (hg19) VCF-style: chr9-139327533-G-T.
Other names: c.1160-6C>A (NM_001318502.2).
Identifiers: ClinVar variation 1435001 (VCV001435001.8), dbSNP rs373495219, ClinGen allele CA5336893.

ClinVar aggregate classification (germline): Uncertain significance (1 of 4 stars; one submission).

Conditions:
Joubert syndrome. Also called: CEREBELLOPARENCHYMAL DISORDER IV; JOUBERT-BOLTSHAUSER SYNDROME; Familial aplasia of the vermis. Identifiers: Orphanet 475, MedGen C5979921, MONDO:0018772.

Allele frequency attached by ClinVar (database versions not stated): gnomAD exomes 0.00001; ExAC 0.00002; ESP Exome Variant Server 0.00008.

Submission:

Labcorp Genetics (formerly Invitae), Labcorp
Classification: Uncertain significance for Joubert syndrome. Last evaluated: 2021-03-15. Review status: criteria provided, single submitter. Criteria: Invitae Variant Classification Sherloc (09022015). Collection method: clinical testing. Allele origin: germline.
Comment: This variant has not been reported in the literature in individuals with INPP5E-related conditions. In summary, the available evidence is currently insufficient to determine the role of this variant in disease. Therefore, it has been classified as a Variant of Uncertain Significance. Algorithms developed to predict the effect of sequence changes on RNA splicing suggest that this variant may disrupt the consensus splice site, but this prediction has not been confirmed by published transcriptional studies. This variant is present in population databases (rs373495219, ExAC 0.003%). This sequence change falls in intron 4 of the INPP5E gene. It does not directly change the encoded amino acid sequence of the INPP5E protein.